The following is an entry in ClinVar:

NM_000350.3(ABCA4):c.5186T>C (p.Leu1729Pro)

Gene: ABCA4 (ATP binding cassette subfamily A member 4; minus strand). Cytogenetic location: 1p22.1.
Variant type: single nucleotide variant.
Coding change: c.5186T>C on transcript NM_000350.3 (MANE Select); coding-DNA position 5186, T replaced by C.
Protein change: p.Leu1729Pro; replaces leucine 1729 with proline.
Molecular consequence: missense variant.
Genome position (GRCh38, 1-based): chr1:94,019,592, A>G on the plus strand (T>C on the coding strand, the complement: ABCA4 is on the minus strand). VCF-style: chr1-94019592-A-G. GRCh37 (hg19) VCF-style: chr1-94485148-A-G.
Other names: c.4964T>C, p.Leu1655Pro (NM_001425324.1); short protein forms L1729P, L1655P.
Identifiers: ClinVar variation 99350 (VCV000099350.13), dbSNP rs61750567, ClinGen allele CA227279.
Genomic context (GRCh38, chr1:94,019,592, plus strand): 5'-TCCACCTTGGGCCCACGGAGGGGAGGGAGGCGCTGTAAACTGACACTTACGATGTCCCAG[A>G]GGAAGTTGGTCACCCAGTAGGTGGTGGGGCTCACTCCACTGATAAACTGGAGGTGCTTGG-3'
Protein context (NP_000341.2, residues 1719-1739): SPTTYWVTNF[Leu1729Pro]WDIMNYSVSA

ClinVar aggregate classification (germline): Pathogenic. Review status: criteria provided, multiple submitters, no conflicts (2 of 4 stars). 5 submissions from 5 submitters: Pathogenic (4). 1 of the submissions does not count toward it. Last evaluated 2025-12-24.

Conditions:
ABCA4-related disorder. Also called: ABCA4-related condition; ABCA4-related disorders. Identifiers: MedGen CN239167.
Cone-rod dystrophy 3 (CORD3). Identifiers: Orphanet 1872, MedGen C1858806, MONDO:0011395, OMIM 604116.
Age related macular degeneration 2. Also called: MACULAR DEGENERATION, SENILE; MACULOPATHY, AGE-RELATED, 2; MACULOPATHY, AGE-RELATED. Identifiers: MedGen C3495438, MONDO:0007932, OMIM 153800.
Retinitis pigmentosa 19 (RP19). Also called: ABCA4-Related Retinitis Pigmentosa. Identifiers: Orphanet 791, MedGen C1866422, MONDO:0011137, OMIM 601718.
Severe early-childhood-onset retinal dystrophy (STGD1). Also called: MACULAR DYSTROPHY WITH FLECKS, TYPE 1; STGD; Stargardt disease 1; Stargardt macular dystrophy; Juvenile onset macular degeneration. Identifiers: Orphanet 364055, Orphanet 827, MedGen C1855465, MeSH D000080362, MONDO:0009549, OMIM 248200.
Retinitis pigmentosa (RP). Identifiers: Orphanet 791, MedGen C0035334, MeSH D012174, MONDO:0019200, OMIM 268000. Inheritance: Autosomal dominant, autosomal recessive and X linked inheritance.

Allele frequency attached by ClinVar (database versions not stated): gnomAD exomes below 0.00001; gnomAD 0.00001; TOPMed 0.00003.
gnomAD v4.1: 3 of 1,606,640 alleles (0.00019%); highest among the groups gnomAD compares: African/African-American, 0.004%; no homozygotes.

Submissions (5):

Labcorp Genetics (formerly Invitae), Labcorp
Classification: Pathogenic. Last evaluated: 2025-12-24. Review status: criteria provided, single submitter. Criteria: Invitae Variant Classification Sherloc (09022015). Collection method: clinical testing. Allele origin: germline.
Comment: This sequence change replaces leucine, which is neutral and non-polar, with proline, which is neutral and non-polar, at codon 1729 of the ABCA4 protein (p.Leu1729Pro). This variant is present in population databases (rs61750567, gnomAD 0.007%). This missense change has been observed in individual(s) with a diagnosis of, or clinical features of, Stargardt disease (PMID: 10206579, 11328725, 25066811, 25082885; internal data). In at least one individual the data is consistent with being in trans (on the opposite chromosome) from a pathogenic variant. ClinVar contains an entry for this variant (Variation ID: 99350). Invitae Evidence Modeling of protein sequence and biophysical properties (such as structural, functional, and spatial information, amino acid conservation, physicochemical variation, residue mobility, and thermodynamic stability) indicates that this missense variant is expected to disrupt ABCA4 protein function with a positive predictive value of 95%. For these reasons, this variant has been classified as Pathogenic.

Fulgent Genetics
Classification: Pathogenic for Age related macular degeneration 2; Severe early-childhood-onset retinal dystrophy; Retinitis pigmentosa 19; Cone-rod dystrophy 3. Last evaluated: 2024-05-31. Review status: criteria provided, single submitter. Criteria: ACMG Guidelines, 2015. Collection method: clinical testing. Allele origin: germline.

Women's Health and Genetics/Laboratory Corporation of America, LabCorp
Classification: Pathogenic for Retinitis pigmentosa. Last evaluated: 2024-05-22. Review status: criteria provided, single submitter. Criteria: LabCorp Variant Classification Summary - May 2015. Collection method: clinical testing. Allele origin: germline.
Comment: Variant summary: ABCA4 c.5186T>C (p.Leu1729Pro) results in a non-conservative amino acid change located in the ABC-2 type transporter, transmembrane domain (IPR013525) of the encoded protein sequence. Five of five in-silico tools predict a damaging effect of the variant on protein function. The variant allele was found at a frequency of 4.2e-06 in 239016 control chromosomes. c.5186T>C has been reported in the literature in multiple individuals affected with macular degeneration, Stargardt dystrophy, STGD1 and Central Vision Loss (example, Alapatizz_2014, Cornelis_2022, Fishman_1999, Webster_2001, Zernant_2014). These data indicate that the variant is very likely to be associated with disease. To our knowledge, no experimental evidence demonstrating an impact on protein function has been reported. The following publications have been ascertained in the context of this evaluation (PMID: 25082885, 35120629, 10206579, 11328725, 25066811). ClinVar contains an entry for this variant (Variation ID: 99350). Based on the evidence outlined above, the variant was classified as pathogenic.

Blueprint Genetics
Classification: Pathogenic for ABCA4-related disorders. Last evaluated: 2022-08-18. Review status: criteria provided, single submitter. Criteria: ACMG Guidelines, 2015. Collection method: clinical testing. Allele origin: germline. Affected: yes. Observed: 5 variant alleles.

Retina International
No classification provided. Review status: no classification provided. Collection method: not provided. Allele origin: not provided. Not counted in ClinVar's aggregate classification.

Literature cited by the submitters: PubMed 10206579 (cited by Labcorp Genetics (formerly Invitae), Labcorp and Women's Health and Genetics/Laboratory Corporation of America, LabCorp); PubMed 11328725 (cited by Labcorp Genetics (formerly Invitae), Labcorp and Women's Health and Genetics/Laboratory Corporation of America, LabCorp); PubMed 25066811 (cited by Labcorp Genetics (formerly Invitae), Labcorp and Women's Health and Genetics/Laboratory Corporation of America, LabCorp); PubMed 25082885 (cited by Labcorp Genetics (formerly Invitae), Labcorp and Women's Health and Genetics/Laboratory Corporation of America, LabCorp); PubMed 35120629 (cited by Women's Health and Genetics/Laboratory Corporation of America, LabCorp).